The following is an entry in ClinVar:

ClinVar aggregate classification (germline): Uncertain significance (1 of 4 stars; one submission).

Conditions:
Ehlers-Danlos syndrome, musculocontractural type 2 (EDSMC2). Identifiers: Orphanet 2953, MedGen C3809845, MONDO:0014236, OMIM 615539.

Allele frequency attached by ClinVar (database versions not stated): gnomAD exomes 0.00001; gnomAD 0.00003; TOPMed 0.00003; ESP Exome Variant Server 0.00008.
gnomAD v4.1: 11 of 1,612,726 alleles (0.00068%); highest among the groups gnomAD compares: African/African-American, 0.0013%; no homozygotes.

Submission:

Labcorp Genetics (formerly Invitae), Labcorp
Classification: Uncertain significance for Ehlers-Danlos syndrome, musculocontractural type 2. Last evaluated: 2024-03-28. Review status: criteria provided, single submitter. Criteria: Invitae Variant Classification Sherloc (09022015). Collection method: clinical testing. Allele origin: germline.
Comment: This sequence change creates a premature translational stop signal (p.Trp948*) in the DSE gene. While this is not anticipated to result in nonsense mediated decay, it is expected to disrupt the last 11 amino acid(s) of the DSE protein. This variant is present in population databases (rs374625904, gnomAD 0.0009%). This variant has not been reported in the literature in individuals affected with DSE-related conditions. ClinVar contains an entry for this variant (Variation ID: 1901217). Experimental studies and prediction algorithms are not available or were not evaluated, and the functional significance of this variant is currently unknown. In summary, the available evidence is currently insufficient to determine the role of this variant in disease. Therefore, it has been classified as a Variant of Uncertain Significance.

NM_013352.4(DSE):c.2843G>A (p.Trp948Ter)

Gene: DSE (dermatan sulfate epimerase; plus strand). Cytogenetic location: 6q22.1.
Variant type: single nucleotide variant.
Coding change: c.2843G>A on transcript NM_013352.4 (MANE Select); coding-DNA position 2843, G replaced by A.
Protein change: p.Trp948Ter; replaces tryptophan 948 with a stop codon.
Molecular consequence: nonsense. On other transcripts: 3 prime UTR variant (2), non-coding transcript variant (1).
Genome position (GRCh38, 1-based): chr6:116,437,311, G>A. VCF-style: chr6-116437311-G-A. GRCh37 (hg19) VCF-style: chr6-116758474-G-A.
Other names: c.2843G>A, p.Trp948Ter (NM_001080976.3, NM_001322937.2, NM_001322938.2); c.2900G>A, p.Trp967Ter (NM_001322939.2); c.2282G>A, p.Trp761Ter (NM_001322940.2, NM_001322941.2); c.*1708G>A (NM_001322943.2, NM_001322944.2); c.1844G>A, p.Trp615Ter (NM_001374520.1); c.1808G>A, p.Trp603Ter (NM_001374521.1); short protein forms W761*, W948*, W615*, W967*, W603*.
Identifiers: ClinVar variation 1901217 (VCV001901217.3), dbSNP rs374625904, ClinGen allele CA145887294.